The following is an entry in ClinVar:

NM_001161352.2(KCNMA1):c.-25C>T

Gene: KCNMA1 (potassium calcium-activated channel subfamily M alpha 1; minus strand). Cytogenetic location: 10q22.3.
Variant type: single nucleotide variant.
Coding change: c.-25C>T on transcript NM_001161352.2 (MANE Select); 25 bases upstream of the start codon, C replaced by T.
Molecular consequence: 5 prime UTR variant.
Genome position (GRCh38, 1-based): chr10:77,637,667, G>A on the plus strand (C>T on the coding strand, the complement: KCNMA1 is on the minus strand). VCF-style: chr10-77637667-G-A. GRCh37 (hg19) VCF-style: chr10-79397425-G-A.
Other names: c.-25C>T (NM_001014797.3, NM_001161353.2, NM_001271518.2 and 12 more transcripts).
Identifiers: ClinVar variation 300976 (VCV000300976.6), dbSNP rs373677230, ClinGen allele CA10636028.

ClinVar aggregate classification (germline): Conflicting classifications of pathogenicity. Review status: criteria provided, conflicting classifications (1 of 4 stars). 2 submissions from 2 submitters: Uncertain significance (1); Likely benign (1). Last evaluated 2024-09-20.

Conditions:
Cerebellar atrophy, developmental delay, and seizures. Identifiers: MedGen C4539985, MONDO:0060551, OMIM 617643.
Generalized epilepsy-paroxysmal dyskinesia syndrome (PNKD3). Also called: Paroxysmal nonkinesigenic dyskinesia, 3, with or without generalized epilepsy; Generalized epilepsy and paroxysmal dyskinesia. Identifiers: Orphanet 79137, MedGen C5574945, MONDO:0012276, OMIM 609446.

Allele frequency attached by ClinVar (database versions not stated): gnomAD 0.00009 and 0.00015; TOPMed 0.00010; gnomAD exomes 0.00014; 1000 Genomes Project 0.00040; 1000 Genomes Project 30x 0.00094.
gnomAD v4.1: 87 of 1,469,380 alleles (0.0059%); highest among the groups gnomAD compares: East Asian, 0.048%; no homozygotes.

Submissions (2):

3billion
Classification: Likely benign for Cerebellar atrophy, developmental delay, and seizures. Last evaluated: 2024-09-20. Review status: criteria provided, single submitter. Criteria: ACMG Guidelines, 2015. Collection method: clinical testing. Allele origin: germline. Affected: no.
Comment: The homozygous variant was found in patients diagnosed with another variant in a different gene, with no symptoms related to the gene containing the homozygous variant.

Illumina Laboratory Services, Illumina
Classification: Uncertain significance for Generalized epilepsy-paroxysmal dyskinesia syndrome. Last evaluated: 2018-01-13. Review status: criteria provided, single submitter. Criteria: ICSL Variant Classification Criteria 13 December 2019. Collection method: clinical testing. Allele origin: germline.